The following is an entry in ClinVar:

ClinVar aggregate classification (germline): Uncertain significance (1 of 4 stars; one submission).

Allele frequency attached by ClinVar (database versions not stated): gnomAD exomes below 0.00001.
gnomAD v4.1: 1 of 1,614,150 alleles (0.000062%); highest among the groups gnomAD compares: Non-Finnish European, 0.000085%; no homozygotes.

Submission:

Labcorp Genetics (formerly Invitae), Labcorp
Classification: Uncertain significance. Last evaluated: 2025-11-10. Review status: criteria provided, single submitter. Criteria: Invitae Variant Classification Sherloc (09022015). Collection method: clinical testing. Allele origin: germline.
Comment: This sequence change replaces histidine, which is basic and polar, with arginine, which is basic and polar, at codon 2176 of the SORL1 protein (p.His2176Arg). This variant is not present in population databases (gnomAD no frequency). This missense change has been observed in individual(s) with clinical features of SORL1-related conditions (PMID: 28789839). ClinVar contains an entry for this variant (Variation ID: 2910303). An algorithm developed to predict the effect of missense changes on protein structure and function (PolyPhen-2) suggests that this variant is likely to be disruptive. In summary, the available evidence is currently insufficient to determine the role of this variant in disease. Therefore, it has been classified as a Variant of Uncertain Significance.

Literature cited by the submitters: PubMed 28789839.

NM_003105.6(SORL1):c.6527A>G (p.His2176Arg)

Gene: SORL1 (sortilin related receptor 1; plus strand). Cytogenetic location: 11q24.1.
Variant type: single nucleotide variant.
Coding change: c.6527A>G on transcript NM_003105.6 (MANE Select); coding-DNA position 6527, A replaced by G.
Protein change: p.His2176Arg; replaces histidine 2176 with arginine.
Molecular consequence: missense variant.
Genome position (GRCh38, 1-based): chr11:121,627,717, A>G. VCF-style: chr11-121627717-A-G. GRCh37 (hg19) VCF-style: chr11-121498426-A-G.
Other names: short protein forms H2176R.
Identifiers: ClinVar variation 2910303 (VCV002910303.3), dbSNP rs2497022873, ClinGen allele CA383047741.
Genomic context (GRCh38, chr11:121,627,717, plus strand): 5'-CCATCCTGTACACGAAGCACCGGAGGCTGCAGAGCAGCTTCACCGCCTTCGCCAACAGCC[A>G]CTACAGCTCCAGGCTGGGGTCCGCAATCTTCTCCTCTGGGGATGACCTGGGTAAGTGGGG-3'
Protein context (NP_003096.2, residues 2166-2186): QSSFTAFANS[His2176Arg]YSSRLGSAIF